The following is an entry in ClinVar:

NM_004370.6(COL12A1):c.1109C>A (p.Pro370Gln)

Gene: COL12A1 (collagen type XII alpha 1 chain; minus strand). Cytogenetic location: 6q13.
Variant type: single nucleotide variant.
Coding change: c.1109C>A on transcript NM_004370.6 (MANE Select); coding-DNA position 1109, C replaced by A.
Protein change: p.Pro370Gln; replaces proline 370 with glutamine.
Molecular consequence: missense variant. On other transcripts: intron variant (1).
Genome position (GRCh38, 1-based): chr6:75,184,033, G>T on the plus strand (C>A on the coding strand, the complement: COL12A1 is on the minus strand). VCF-style: chr6-75184033-G-T. GRCh37 (hg19) VCF-style: chr6-75893749-G-T.
Other names: c.73+18687C>A (NM_080645.3); short protein forms P370Q.
Identifiers: ClinVar variation 1346817 (VCV001346817.8), dbSNP rs2149467365, ClinGen allele CA364773608.
Genomic context (GRCh38, chr6:75,184,033, plus strand): 5'-CTGAGCGTGGTTGTCTGAGGCCCCACACTCAGAGCGTGCTGTCGGCTTCCTGCAGTCATT[G>T]GTGTGAGGATGACTTTGTAGCCAGTCACTGGACTAGGAGATGGATTCCAATTTAGCTTAA-3'
Protein context (NP_004361.3, residues 360-380): PVTGYKVILT[Pro370Gln]MTAGSRQHAL

ClinVar aggregate classification (germline): Uncertain significance (1 of 4 stars; one submission).

Conditions:
Ullrich congenital muscular dystrophy 2 (UCMD2). Identifiers: Orphanet 75840, MedGen C4225314, MONDO:0014654, OMIM 616470.
Bethlem myopathy 2 (BTHLM2). Identifiers: Orphanet 536516, Orphanet 610, MedGen C4225313, MONDO:0034022, OMIM 616471.

gnomAD v4.1: 1 of 1,614,162 alleles (0.000062%); highest among the groups gnomAD compares: African/African-American, 0.0013%; no homozygotes.

Submission:

Labcorp Genetics (formerly Invitae), Labcorp
Classification: Uncertain significance for Bethlem myopathy 2; Ullrich congenital muscular dystrophy 2. Last evaluated: 2022-07-25. Review status: criteria provided, single submitter. Criteria: Invitae Variant Classification Sherloc (09022015). Collection method: clinical testing. Allele origin: germline.
Comment: This sequence change replaces proline, which is neutral and non-polar, with glutamine, which is neutral and polar, at codon 370 of the COL12A1 protein (p.Pro370Gln). In summary, the available evidence is currently insufficient to determine the role of this variant in disease. Therefore, it has been classified as a Variant of Uncertain Significance. Algorithms developed to predict the effect of missense changes on protein structure and function are either unavailable or do not agree on the potential impact of this missense change (SIFT: "Deleterious"; PolyPhen-2: "Probably Damaging"; Align-GVGD: "Class C0"). ClinVar contains an entry for this variant (Variation ID: 1346817). This variant has not been reported in the literature in individuals affected with COL12A1-related conditions. This variant is not present in population databases (gnomAD no frequency).